The following is an entry in ClinVar:

ClinVar aggregate classification (germline): Uncertain significance. Review status: criteria provided, multiple submitters, no conflicts (2 of 4 stars). 5 submissions from 5 submitters: Uncertain significance (3). 2 of the submissions do not count toward it. Last evaluated 2025-01-11.

Conditions:
Cardiovascular phenotype. Identifiers: MedGen CN230736.
X-linked Emery-Dreifuss muscular dystrophy. Also called: Muscular dystrophy, tardive Emery-Dreifuss type, with contractures. Identifiers: Orphanet 261, Orphanet 98863, MedGen C0751337, MONDO:0010680.

Allele frequency attached by ClinVar (database versions not stated): gnomAD exomes below 0.00001 and 0.00002; gnomAD 0.00002; ExAC 0.00003; 1000 Genomes Project 30x 0.00042; 1000 Genomes Project 0.00053.
gnomAD v4.1: 5 of 1,204,367 alleles (0.00042%); highest among the groups gnomAD compares: East Asian, 0.012%; no homozygotes.

Submissions (5):

Labcorp Genetics (formerly Invitae), Labcorp
Classification: Uncertain significance for X-linked Emery-Dreifuss muscular dystrophy. Last evaluated: 2025-01-11. Review status: criteria provided, single submitter. Criteria: Invitae Variant Classification Sherloc (09022015). Collection method: clinical testing. Allele origin: germline.
Comment: This sequence change replaces proline, which is neutral and non-polar, with serine, which is neutral and polar, at codon 50 of the EMD protein (p.Pro50Ser). This variant is present in population databases (rs781936763, gnomAD 0.02%). This missense change has been observed in individual(s) with dilated cardiomyopathy (PMID: 32880476, 37198425). ClinVar contains an entry for this variant (Variation ID: 1284695). Invitae Evidence Modeling of protein sequence and biophysical properties (such as structural, functional, and spatial information, amino acid conservation, physicochemical variation, residue mobility, and thermodynamic stability) indicates that this missense variant is not expected to disrupt EMD protein function with a negative predictive value of 80%. In summary, the available evidence is currently insufficient to determine the role of this variant in disease. Therefore, it has been classified as a Variant of Uncertain Significance.

GeneDx
Classification: Uncertain significance. Last evaluated: 2023-10-26. Review status: criteria provided, single submitter. Criteria: GeneDx Variant Classification Process June 2021. Collection method: clinical testing. Allele origin: germline. Affected: yes.
Comment: Observed in an individual with DCM who also harbored an additional variant in the EMD gene, but phase of the two variants (in cis or in trans) was not reported (PMID: 32880476); In silico analysis supports that this missense variant does not alter protein structure/function; Missense variants in this gene are a common cause of disease and they are underrepresented in the general population; This variant is associated with the following publications: (PMID: 32880476)

Ambry Genetics
Classification: Uncertain significance for Cardiovascular phenotype. Last evaluated: 2019-05-15. Review status: criteria provided, single submitter. Criteria: Ambry Variant Classification Scheme 2023. Collection method: clinical testing. Allele origin: germline.
Comment: The p.P50S variant (also known as c.148C>T), located in coding exon 2 of the EMD gene, results from a C to T substitution at nucleotide position 148. The proline at codon 50 is replaced by serine, an amino acid with similar properties. This amino acid position is highly conserved in available vertebrate species. In addition, this alteration is predicted to be tolerated by in silico analysis. Since supporting evidence is limited at this time, the clinical significance of this alteration remains unclear.

Clinical Genetics, Academic Medical Center
Classification: Uncertain significance. Review status: no assertion criteria provided. Collection method: clinical testing. Allele origin: germline. Affected: yes. Study: VKGL Data-share Consensus. Not counted in ClinVar's aggregate classification.

Joint Genome Diagnostic Labs from Nijmegen and Maastricht, Radboudumc and MUMC+
Classification: Uncertain significance. Review status: no assertion criteria provided. Collection method: clinical testing. Allele origin: germline. Affected: yes. Study: VKGL Data-share Consensus. Not counted in ClinVar's aggregate classification.

Literature cited by the submitters: PubMed 32880476 (cited by Labcorp Genetics (formerly Invitae), Labcorp); PubMed 37198425 (cited by Labcorp Genetics (formerly Invitae), Labcorp).

NM_000117.3(EMD):c.148C>T (p.Pro50Ser)

Gene: EMD (emerin; plus strand). Cytogenetic location: Xq28.
Variant type: single nucleotide variant.
Coding change: c.148C>T on transcript NM_000117.3 (MANE Select); coding-DNA position 148, C replaced by T.
Protein change: p.Pro50Ser; replaces proline 50 with serine.
Molecular consequence: missense variant.
Genome position (GRCh38, 1-based): chrX:154,379,755, C>T. VCF-style: chrX-154379755-C-T. GRCh37 (hg19) VCF-style: chrX-153608115-C-T.
Other names: short protein forms P50S.
Identifiers: ClinVar variation 1284695 (VCV001284695.15), dbSNP rs781936763, ClinGen allele CA10561515.